The following is an entry in ClinVar:

ClinVar aggregate classification (germline): Uncertain significance. Review status: criteria provided, multiple submitters, no conflicts (2 of 4 stars). 2 submissions from 2 submitters: Uncertain significance (2). Last evaluated 2025-12-09.

Conditions:
Inborn genetic diseases. Identifiers: MedGen C0950123, MeSH D030342.

Allele frequency attached by ClinVar (database versions not stated): TOPMed 0.00008; ExAC 0.00009; 1000 Genomes Project 30x 0.00062; ESP Exome Variant Server 0.00008; 1000 Genomes Project 0.00060.
gnomAD v4.1: 174 of 1,614,250 alleles (0.011%); highest among the groups gnomAD compares: African/African-American, 0.015%; no homozygotes.

Submissions (2):

Ambry Genetics
Classification: Uncertain significance for Inborn genetic diseases. Last evaluated: 2025-12-09. Review status: criteria provided, single submitter. Criteria: Ambry Variant Classification Scheme 2023. Collection method: clinical testing. Allele origin: germline.

Labcorp Genetics (formerly Invitae), Labcorp
Classification: Uncertain significance. Last evaluated: 2022-07-12. Review status: criteria provided, single submitter. Criteria: Invitae Variant Classification Sherloc (09022015). Collection method: clinical testing. Allele origin: germline.
Comment: This sequence change replaces arginine, which is basic and polar, with histidine, which is basic and polar, at codon 556 of the EXTL3 protein (p.Arg556His). This variant is present in population databases (rs369743761, gnomAD 0.01%). This variant has not been reported in the literature in individuals affected with EXTL3-related conditions. ClinVar contains an entry for this variant (Variation ID: 1036712). Algorithms developed to predict the effect of missense changes on protein structure and function are either unavailable or do not agree on the potential impact of this missense change (SIFT: "Deleterious"; PolyPhen-2: "Benign"; Align-GVGD: "Class C0"). In summary, the available evidence is currently insufficient to determine the role of this variant in disease. Therefore, it has been classified as a Variant of Uncertain Significance.

NM_001440.4(EXTL3):c.1667G>A (p.Arg556His)

Gene: EXTL3 (exostosin like glycosyltransferase 3; plus strand). Cytogenetic location: 8p21.1.
Variant type: single nucleotide variant.
Coding change: c.1667G>A on transcript NM_001440.4 (MANE Select); coding-DNA position 1667, G replaced by A.
Protein change: p.Arg556His; replaces arginine 556 with histidine.
Molecular consequence: missense variant.
Genome position (GRCh38, 1-based): chr8:28,717,726, G>A. VCF-style: chr8-28717726-G-A. GRCh37 (hg19) VCF-style: chr8-28575243-G-A.
Other names: c.1667G>A (NM_001440.2); short protein forms R556H.
Identifiers: ClinVar variation 1036712 (VCV001036712.3), dbSNP rs369743761, ClinGen allele CA4696262.
Genomic context (GRCh38, chr8:28,717,726, plus strand): 5'-CTCGCATCCAGATCCCAGCCGCTCCCATCCGGGAAGAGGCGGCAGCTGAGATCCCCCACC[G>A]TTCAGGCAAGGCGGCTGGAACTGACCCCAACATGGCTGACAACGGGGACCTGGACCTGGG-3'
Protein context (NP_001431.1, residues 546-566): REEAAAEIPH[Arg556His]SGKAAGTDPN